The following is an entry in ClinVar:

ClinVar aggregate classification (germline): Pathogenic. Review status: criteria provided, multiple submitters, no conflicts (2 of 4 stars). 2 submissions from 2 submitters: Pathogenic (2). Last evaluated 2026-08-21.

Conditions:
Fanconi anemia complementation group A (FANCA). Also called: FANCA-Related Fanconi Anemia; Fanconi anemia, group A. Identifiers: Orphanet 84, MedGen C3469521, MONDO:0009215, OMIM 227650.
Fanconi anemia (FA). Also called: Fanconi's anemia. Identifiers: Orphanet 84, MedGen C0015625, MeSH D005199, MONDO:0019391.

Submissions (2):

Myriad Genetics, Inc.
Classification: Pathogenic for Fanconi anemia complementation group A. Last evaluated: 2026-08-21. Review status: criteria provided, single submitter. Criteria: Myriad Autosomal Dominant, Autosomal Recessive and X-Linked Classification Criteria (2023). Collection method: clinical testing. Allele origin: unknown.
Comment: NM_000135.2(FANCA):c.2600delA(K867Sfs*22) is a frameshift variant classified as pathogenic in the context of Fanconi anemia complementation group A. K867Sfs*22 has not been observed in cases with relevant disease. Relevant functional assessments of this variant are not available in the literature. K867Sfs*22 has not been observed in referenced population frequency databases. In summary, NM_000135.2(FANCA):c.2600delA(K867Sfs*22) is a frameshift variant in a gene where loss of function is a known mechanism of disease and is predicted to disrupt protein function. Please note: this variant was assessed in the context of healthy population screening.

Labcorp Genetics (formerly Invitae), Labcorp
Classification: Pathogenic for Fanconi anemia. Last evaluated: 2019-03-01. Review status: criteria provided, single submitter. Criteria: Invitae Variant Classification Sherloc (09022015). Collection method: clinical testing. Allele origin: germline.
Comment: This sequence change creates a premature translational stop signal (p.Lys867Serfs*22) in the FANCA gene. It is expected to result in an absent or disrupted protein product. This variant is not present in population databases (ExAC no frequency). For these reasons, this variant has been classified as Pathogenic. Loss-of-function variants in FANCA are known to be pathogenic (PMID: 19367192). This variant has not been reported in the literature in individuals with FANCA-related conditions.

Literature cited by the submitters: PubMed 19367192 (cited by Labcorp Genetics (formerly Invitae), Labcorp).

NM_000135.4(FANCA):c.2600del (p.Lys867fs)

Gene: FANCA (FA complementation group A; minus strand). Cytogenetic location: 16q24.3.
Variant type: Deletion.
Coding change: c.2600del on transcript NM_000135.4 (MANE Select); coding-DNA position 2600, one base deleted (A; older notation c.2600delA).
Protein change: p.Lys867fs; shifts the reading frame from lysine 867.
Molecular consequence: frameshift variant.
Genome position (GRCh38, 1-based): chr16:89,767,142, T deleted on the plus strand (A on the coding strand, the reverse complement: FANCA is on the minus strand); the first of 5 consecutive T bases (chr16:89,767,142-89,767,146); deleting any one gives the same sequence. VCF-style (leftmost placement, unchanged base first): chr16-89767141-CT-C. GRCh37 (hg19) VCF-style: chr16-89833549-CT-C.
Other names: c.2600del, p.Lys867fs (NM_001286167.3); short protein forms K867fs.
Identifiers: ClinVar variation 859024 (VCV000859024.8), dbSNP rs2039156731, ClinGen allele CA916081869.